The following is an entry in ClinVar:

ClinVar aggregate classification (germline): Uncertain significance. Review status: criteria provided, multiple submitters, no conflicts (2 of 4 stars). 5 submissions from 5 submitters: Uncertain significance (5). Last evaluated 2023-09-22.

Conditions:
Autosomal recessive limb-girdle muscular dystrophy type 2P. Also called: MUSCULAR DYSTROPHY-DYSTROGLYCANOPATHY, LIMB-GIRDLE, DAG1-RELATED; MUSCULAR DYSTROPHY, LIMB-GIRDLE, TYPE 2P; Limb-Girdle Muscular Dystrophy Type 9C. Identifiers: Orphanet 280333, MedGen C4511963, MONDO:0013440, OMIM 613818.
Muscular dystrophy-dystroglycanopathy (congenital with brain and eye anomalies), type A9. Also called: WALKER-WARBURG SYNDROME OR MUSCLE-EYE BRAIN DISEASE, DAG1-RELATED; Muscular dystrophy-dystroglycanopathy (congenital with brain and eye anomalies), type a, 9. Identifiers: Orphanet 370997, Orphanet 899, MedGen C4225291, MONDO:0014683, OMIM 616538.

Allele frequency attached by ClinVar (database versions not stated): TOPMed below 0.00001; ExAC 0.00001; gnomAD 0.00001; gnomAD exomes 0.00001 and 0.00002.
gnomAD v4.1: 27 of 1,613,904 alleles (0.0017%); highest among the groups gnomAD compares: Non-Finnish European, 0.0022%; no homozygotes.

Submissions (5):

Revvity Omics, Revvity
Classification: Uncertain significance. Last evaluated: 2023-09-22. Review status: criteria provided, single submitter. Criteria: ACMG Guidelines, 2015. Collection method: clinical testing. Allele origin: germline.

Labcorp Genetics (formerly Invitae), Labcorp
Classification: Uncertain significance for Autosomal recessive limb-girdle muscular dystrophy type 2P; Muscular dystrophy-dystroglycanopathy (congenital with brain and eye anomalies), type A9. Last evaluated: 2023-07-17. Review status: criteria provided, single submitter. Criteria: Invitae Variant Classification Sherloc (09022015). Collection method: clinical testing. Allele origin: germline.
Comment: In summary, the available evidence is currently insufficient to determine the role of this variant in disease. Therefore, it has been classified as a Variant of Uncertain Significance. This sequence change replaces methionine, which is neutral and non-polar, with valine, which is neutral and non-polar, at codon 883 of the DAG1 protein (p.Met883Val). This variant is present in population databases (rs754908618, gnomAD 0.003%). This variant has not been reported in the literature in individuals affected with DAG1-related conditions. ClinVar contains an entry for this variant (Variation ID: 596255). Advanced modeling of protein sequence and biophysical properties (such as structural, functional, and spatial information, amino acid conservation, physicochemical variation, residue mobility, and thermodynamic stability) has been performed at Invitae for this missense variant, however the output from this modeling did not meet the statistical confidence thresholds required to predict the impact of this variant on DAG1 protein function.

Athena Diagnostics
Classification: Uncertain significance. Last evaluated: 2022-05-04. Review status: criteria provided, single submitter. Criteria: Athena Diagnostics Criteria. Collection method: clinical testing. Allele origin: unknown.

Eurofins Ntd Llc (ga)
Classification: Uncertain significance. Last evaluated: 2018-03-01. Review status: criteria provided, single submitter. Criteria: EGL ClinVar v180209 classification definitions. Collection method: clinical testing. Allele origin: germline. Observed: 2 variant alleles, 2 heterozygotes.

Breakthrough Genomics
Classification: Uncertain significance. Review status: criteria provided, single submitter. Criteria: ACMG Guidelines, 2015. Collection method: not provided. Allele origin: germline. Inheritance: Autosomal recessive inheritance. Affected: yes.

NM_004393.6(DAG1):c.2647A>G (p.Met883Val)

Gene: DAG1 (dystroglycan 1; plus strand). Cytogenetic location: 3p21.31.
Variant type: single nucleotide variant.
Coding change: c.2647A>G on transcript NM_004393.6 (MANE Select); coding-DNA position 2647, A replaced by G.
Protein change: p.Met883Val; replaces methionine 883 with valine.
Molecular consequence: missense variant.
Genome position (GRCh38, 1-based): chr3:49,533,158, A>G. VCF-style: chr3-49533158-A-G. GRCh37 (hg19) VCF-style: chr3-49570591-A-G.
Other names: c.2647A>G, p.Met883Val (NM_001165928.4, NM_001177634.3, NM_001177635.3 and 9 more transcripts); short protein forms M883V.
Identifiers: ClinVar variation 596255 (VCV000596255.13), dbSNP rs754908618, ClinGen allele CA2399304.